The following is an entry in ClinVar:

NM_002471.4(MYH6):c.2738A>G (p.Asn913Ser)

Gene: MYH6 (myosin heavy chain 6; minus strand). Cytogenetic location: 14q11.2.
Variant type: single nucleotide variant.
Coding change: c.2738A>G on transcript NM_002471.4 (MANE Select); coding-DNA position 2738, A replaced by G.
Protein change: p.Asn913Ser; replaces asparagine 913 with serine.
Molecular consequence: missense variant.
Genome position (GRCh38, 1-based): chr14:23,393,856, T>C on the plus strand (A>G on the coding strand, the complement: MYH6 is on the minus strand). VCF-style: chr14-23393856-T-C. GRCh37 (hg19) VCF-style: chr14-23863065-T-C.
Other names: short protein forms N913S.
Identifiers: ClinVar variation 651696 (VCV000651696.14), dbSNP rs138213182, ClinGen allele CA7115378.

ClinVar aggregate classification (germline): Conflicting classifications of pathogenicity. Review status: criteria provided, conflicting classifications (1 of 4 stars). 3 submissions from 3 submitters: Uncertain significance (2); Likely benign (1). Last evaluated 2026-06-30.

Conditions:
Hypertrophic cardiomyopathy 14. Identifiers: MedGen C2750467, MONDO:0013197, OMIM 613251.
Cardiovascular phenotype. Identifiers: MedGen CN230736.
MYH6-related disorder. Also called: MYH6-Related Disorders; MYH6-related condition.

Allele frequency attached by ClinVar (database versions not stated): gnomAD exomes below 0.00001 and 0.00002; ExAC 0.00002; TOPMed 0.00004; gnomAD 0.00005 and 0.00006; ESP Exome Variant Server 0.00008; 1000 Genomes Project 0.00020; 1000 Genomes Project 30x 0.00031.
gnomAD v4.1: 13 of 1,614,238 alleles (0.00081%); highest among the groups gnomAD compares: African/African-American, 0.015%; no homozygotes.

Submissions (3):

PreventionGenetics, part of Exact Sciences
Classification: Uncertain significance for MYH6-related condition. Last evaluated: 2026-06-30. Review status: criteria provided, single submitter. Criteria: ACMG Guidelines, 2015. Collection method: clinical testing. Allele origin: germline.
Comment: The MYH6 c.2738A>G variant is predicted to result in the amino acid substitution p.Asn913Ser. To our knowledge, this variant has not been reported in the literature. This variant is reported in 0.024% of alleles in individuals of African descent in gnomAD. At this time, the clinical significance of this variant is uncertain due to the absence of conclusive functional and genetic evidence.

Labcorp Genetics (formerly Invitae), Labcorp
Classification: Uncertain significance for Hypertrophic cardiomyopathy 14. Last evaluated: 2025-12-24. Review status: criteria provided, single submitter. Criteria: Invitae Variant Classification Sherloc (09022015). Collection method: clinical testing. Allele origin: germline.
Comment: This sequence change replaces asparagine, which is neutral and polar, with serine, which is neutral and polar, at codon 913 of the MYH6 protein (p.Asn913Ser). This variant is present in population databases (rs138213182, gnomAD 0.02%). This variant has not been reported in the literature in individuals affected with MYH6-related conditions. ClinVar contains an entry for this variant (Variation ID: 651696). Invitae Evidence Modeling of protein sequence and biophysical properties (such as structural, functional, and spatial information, amino acid conservation, physicochemical variation, residue mobility, and thermodynamic stability) indicates that this missense variant is not expected to disrupt MYH6 protein function with a negative predictive value of 80%. In summary, the available evidence is currently insufficient to determine the role of this variant in disease. Therefore, it has been classified as a Variant of Uncertain Significance.

Ambry Genetics
Classification: Likely benign for Cardiovascular phenotype. Last evaluated: 2025-07-17. Review status: criteria provided, single submitter. Criteria: Ambry Variant Classification Scheme 2023. Collection method: clinical testing. Allele origin: germline.